The following is an entry in ClinVar:

NM_001128840.3(CACNA1D):c.4268_4269del (p.Pro1423fs)

Gene: CACNA1D (calcium voltage-gated channel subunit alpha1 D; plus strand). Cytogenetic location: 3p21.1.
Variant type: Deletion.
Coding change: c.4268_4269del on transcript NM_001128840.3 (MANE Select); coding-DNA positions 4268 to 4269, 2 bases deleted (CT; older notation c.4268_4269delCT).
Protein change: p.Pro1423fs; shifts the reading frame from proline 1423.
Molecular consequence: frameshift variant.
Genome position (GRCh38, 1-based): chr3:53,775,951-53,775,952, CT deleted. VCF-style (leftmost placement, unchanged base first): chr3-53775950-CCT-C. GRCh37 (hg19) VCF-style: chr3-53809977-CCT-C.
Other names: c.4328_4329del, p.Pro1443fs (NM_000720.4); c.4223_4224del, p.Pro1408fs (NM_001128839.3); short protein forms P1443fs, P1408fs, P1423fs.
Identifiers: ClinVar variation 1522793 (VCV001522793.6), dbSNP rs2109034221, ClinGen allele CA2573137254.
Genomic context (GRCh38, chr3:53,775,950, plus strand): 5'-GCAACAGGTGAGGCCTGGCAGGAGATCATGCTGGCCTGTCTCCCAGGGAAGCTCTGTGAC[CCT>C]GAGTCAGATTACAACCCCGGGGAGGAGTATACATGTGGGAGCAACTTTGCCATTGTCTAT-3'

ClinVar aggregate classification (germline): Uncertain significance (1 of 4 stars; one submission).

Submission:

Labcorp Genetics (formerly Invitae), Labcorp
Classification: Uncertain significance. Last evaluated: 2021-04-03. Review status: criteria provided, single submitter. Criteria: Invitae Variant Classification Sherloc (09022015). Collection method: clinical testing. Allele origin: germline.
Comment: In summary, the available evidence is currently insufficient to determine the role of this variant in disease. Therefore, it has been classified as a Variant of Uncertain Significance. This variant has not been reported in the literature in individuals with CACNA1D-related conditions. This variant is not present in population databases (ExAC no frequency). This sequence change creates a premature translational stop signal (p.Pro1443Argfs*43) in the CACNA1D gene. It is expected to result in an absent or disrupted protein product. However, the current clinical and genetic evidence is not sufficient to establish whether loss-of-function variants in CACNA1D cause disease.